The following is an entry in ClinVar:

NM_031471.6(FERMT3):c.1165G>A (p.Glu389Lys)

Gene: FERMT3 (FERM domain containing kindlin 3; plus strand). Cytogenetic location: 11q13.1.
Variant type: single nucleotide variant.
Coding change: c.1165G>A on transcript NM_031471.6 (MANE Select); coding-DNA position 1165, G replaced by A.
Protein change: p.Glu389Lys; replaces glutamic acid 389 with lysine.
Molecular consequence: missense variant.
Genome position (GRCh38, 1-based): chr11:64,219,976, G>A. VCF-style: chr11-64219976-G-A. GRCh37 (hg19) VCF-style: chr11-63987448-G-A.
Other names: c.1165G>A, p.Glu389Lys (NM_001382361.1, NM_001382448.1); c.1177G>A, p.Glu393Lys (NM_001382362.1, NM_178443.3); c.625G>A, p.Glu209Lys (NM_001382363.1); c.637G>A, p.Glu213Lys (NM_001382364.1); short protein forms E389K, E393K, E209K, E213K.
Identifiers: ClinVar variation 861209 (VCV000861209.10), dbSNP rs377759054, ClinGen allele CA6069052.
Genomic context (GRCh38, chr11:64,219,976, plus strand): 5'-TACCGCCAACACTGGGTGGTGTTCAAGGAGACCACACTGTCCTACTACAAGAGCCAGGAC[G>A]AGGCCCCTGGGGACCCCATTCAGCAGCTCAACCTCAAGGGTAAGTGCACAGGGCCAGGGG-3'
Protein context (NP_113659.3, residues 379-399): TTLSYYKSQD[Glu389Lys]APGDPIQQLN

ClinVar aggregate classification (germline): Uncertain significance. Review status: criteria provided, multiple submitters, no conflicts (2 of 4 stars). 3 submissions from 3 submitters: Uncertain significance (3). Last evaluated 2026-02-18.

Conditions:
Inborn genetic diseases. Identifiers: MedGen C0950123, MeSH D030342.
Leukocyte adhesion deficiency 3. Also called: Leukocyte adhesion deficiency, type III; INTEGRIN ACTIVATION DEFICIENCY DISEASE; LEUKOCYTE ADHESION DEFICIENCY 1 VARIANT. Identifiers: Orphanet 2968, Orphanet 99844, MedGen C2748536, MONDO:0013016, OMIM 612840.

Allele frequency attached by ClinVar (database versions not stated): ExAC 0.00002; gnomAD exomes 0.00003 and 0.00005; TOPMed 0.00003; gnomAD 0.00001; ESP Exome Variant Server 0.00008.

Submissions (3):

Dasa
Classification: Uncertain significance for Leukocyte adhesion deficiency 3. Last evaluated: 2026-02-18. Review status: criteria provided, single submitter. Criteria: DASA Assertion Criteria. Collection method: clinical testing. Allele origin: germline.
Comment: NM_031471.6(FERMT3):c.1165G>A (p.Glu389Lys) is a missense variant that results in the substitution of glutamic acid with lysine. This variant is rare in population databases. Computational prediction algorithms are consistent with a deleterious effect. The currently available literature and clinical evidence are not sufficient to establish a definitive association between this variant and the reported condition. Therefore, this variant is classified as a variant of uncertain significance.

Labcorp Genetics (formerly Invitae), Labcorp
Classification: Uncertain significance for Leukocyte adhesion deficiency 3. Last evaluated: 2025-05-27. Review status: criteria provided, single submitter. Criteria: Invitae Variant Classification Sherloc (09022015). Collection method: clinical testing. Allele origin: germline.
Comment: This sequence change replaces glutamic acid, which is acidic and polar, with lysine, which is basic and polar, at codon 389 of the FERMT3 protein (p.Glu389Lys). This variant is present in population databases (rs377759054, gnomAD 0.007%). This variant has not been reported in the literature in individuals affected with FERMT3-related conditions. ClinVar contains an entry for this variant (Variation ID: 861209). Invitae Evidence Modeling of protein sequence and biophysical properties (such as structural, functional, and spatial information, amino acid conservation, physicochemical variation, residue mobility, and thermodynamic stability) indicates that this missense variant is not expected to disrupt FERMT3 protein function with a negative predictive value of 80%. In summary, the available evidence is currently insufficient to determine the role of this variant in disease. Therefore, it has been classified as a Variant of Uncertain Significance.

Ambry Genetics
Classification: Uncertain significance for Inborn genetic diseases. Last evaluated: 2021-06-11. Review status: criteria provided, single submitter. Criteria: Ambry Variant Classification Scheme 2023. Collection method: clinical testing. Allele origin: germline.